The following is an entry in ClinVar:

ClinVar aggregate classification (germline): Uncertain significance (1 of 4 stars; one submission).

Conditions:
Walker-Warburg congenital muscular dystrophy. Also called: Muscular dystrophy-dystroglycanopathy, type A; Walker-Warburg syndrome. Identifiers: Orphanet 899, MedGen C0265221, MONDO:0000171.

Allele frequency attached by ClinVar (database versions not stated): gnomAD exomes below 0.00001; TOPMed below 0.00001; gnomAD 0.00001.
gnomAD v4.1: 5 of 1,534,628 alleles (0.00033%); highest among the groups gnomAD compares: South Asian, 0.0012%; no homozygotes.

Submission:

Labcorp Genetics (formerly Invitae), Labcorp
Classification: Uncertain significance for Walker-Warburg congenital muscular dystrophy. Last evaluated: 2024-09-09. Review status: criteria provided, single submitter. Criteria: Invitae Variant Classification Sherloc (09022015). Collection method: clinical testing. Allele origin: germline.
Comment: This sequence change replaces proline, which is neutral and non-polar, with serine, which is neutral and polar, at codon 165 of the FKRP protein (p.Pro165Ser). This variant is not present in population databases (gnomAD no frequency). This missense change has been observed in individual(s) with myopathy (PMID: 33250842). ClinVar contains an entry for this variant (Variation ID: 1369898). Invitae Evidence Modeling of protein sequence and biophysical properties (such as structural, functional, and spatial information, amino acid conservation, physicochemical variation, residue mobility, and thermodynamic stability) has been performed for this missense variant. However, the output from this modeling did not meet the statistical confidence thresholds required to predict the impact of this variant on FKRP protein function. In summary, the available evidence is currently insufficient to determine the role of this variant in disease. Therefore, it has been classified as a Variant of Uncertain Significance.

Literature cited by the submitters: PubMed 33250842.

NM_024301.5(FKRP):c.493C>T (p.Pro165Ser)

Gene: FKRP (fukutin related protein; plus strand). Cytogenetic location: 19q13.32.
Variant type: single nucleotide variant.
Coding change: c.493C>T on transcript NM_024301.5 (MANE Select); coding-DNA position 493, C replaced by T.
Protein change: p.Pro165Ser; replaces proline 165 with serine.
Molecular consequence: missense variant.
Genome position (GRCh38, 1-based): chr19:46,755,943, C>T. VCF-style: chr19-46755943-C-T. GRCh37 (hg19) VCF-style: chr19-47259200-C-T.
Other names: c.493C>T, p.Pro165Ser (NM_001039885.3); short protein forms P165S.
Identifiers: ClinVar variation 1369898 (VCV001369898.7), dbSNP rs959475250, ClinGen allele CA309099316.